The following is an entry in ClinVar:

ClinVar aggregate classification (germline): Benign. Review status: criteria provided, multiple submitters, no conflicts (2 of 4 stars). 5 submissions from 5 submitters: Benign (5). Last evaluated 2026-02-04.

Conditions:
Candidiasis, familial, 6 (CANDF6). Also called: Candidiasis, familial, 6, autosomal dominant. Identifiers: Orphanet 1334, MedGen C3151405, MONDO:0013503, OMIM 613956.

Allele frequency attached by ClinVar (database versions not stated): 1000 Genomes Project 30x 0.03264; 1000 Genomes Project 0.03315; TOPMed 0.05712; gnomAD 0.06079 and 0.06132; gnomAD exomes 0.06651 and 0.08405; ESP Exome Variant Server 0.06666; ExAC 0.06858.
gnomAD v4.1: 131,454 of 1,614,210 alleles (8.1%); highest among the groups gnomAD compares: Middle Eastern, 9.6%; 6,024 homozygotes.

Submissions (5):

Labcorp Genetics (formerly Invitae), Labcorp
Classification: Benign for Candidiasis, familial, 6. Last evaluated: 2026-02-04. Review status: criteria provided, single submitter. Criteria: Invitae Variant Classification Sherloc (09022015). Collection method: clinical testing. Allele origin: germline.

Mayo Clinic Laboratories, Mayo Clinic
Classification: Benign. Last evaluated: 2023-05-04. Review status: criteria provided, single submitter. Criteria: ACMG Guidelines, 2015. Collection method: clinical testing. Allele origin: germline. Observed: 19 variant alleles.
Comment: BA1, BS2, BP4

GeneDx
Classification: Benign. Last evaluated: 2021-06-10. Review status: criteria provided, single submitter. Criteria: GeneDx Variant Classification Process June 2021. Collection method: clinical testing. Allele origin: germline. Affected: yes.
Comment: This variant is associated with the following publications: (PMID: 30290665, 18769923, 20618772)

Illumina Laboratory Services, Illumina
Classification: Benign for Candidiasis, familial, 6. Last evaluated: 2018-03-06. Review status: criteria provided, single submitter. Criteria: ICSL Variant Classification Criteria 13 December 2019. Collection method: clinical testing. Allele origin: germline.
Comment: This variant was observed in the ICSL laboratory as part of a predisposition screen in an ostensibly healthy population. It had not been previously curated by ICSL or reported in the Human Gene Mutation Database (HGMD: prior to June 1st, 2018), and was therefore a candidate for classification through an automated scoring system. Utilizing variant allele frequency, disease prevalence and penetrance estimates, and inheritance mode, an automated score was calculated to assess if this variant is too frequent to cause the disease. Based on the score and internal cut-off values, a variant classified as benign is not then subjected to further curation. The score for this variant resulted in a classification of benign for this disease.

Laboratory for Molecular Medicine, Mass General Brigham Personalized Medicine
Classification: Benign. Last evaluated: 2016-03-29. Review status: criteria provided, single submitter. Criteria: LMM Criteria. Collection method: clinical testing. Allele origin: germline.
Comment: Variant identified in a genome or exome case(s) and assessed due to predicted null impact of the variant or pathogenic assertions in the literature or databases. Disclaimer: This variant has not undergone full assessment. The following are preliminary notes: MAF

Literature cited by the submitters: PubMed 18769923 (cited by Mayo Clinic Laboratories, Mayo Clinic); PubMed 20618772 (cited by Mayo Clinic Laboratories, Mayo Clinic); PubMed 30290665 (cited by Mayo Clinic Laboratories, Mayo Clinic).

NM_052872.4(IL17F):c.377A>G (p.Glu126Gly)

Gene: IL17F (interleukin 17F; minus strand). Cytogenetic location: 6p12.2.
Variant type: single nucleotide variant.
Coding change: c.377A>G on transcript NM_052872.4 (MANE Select); coding-DNA position 377, A replaced by G.
Protein change: p.Glu126Gly; replaces glutamic acid 126 with glycine.
Molecular consequence: missense variant.
Genome position (GRCh38, 1-based): chr6:52,237,046, T>C on the plus strand (A>G on the coding strand, the complement: IL17F is on the minus strand). VCF-style: chr6-52237046-T-C. GRCh37 (hg19) VCF-style: chr6-52101844-T-C.
Other names: short protein forms E126G.
Identifiers: ClinVar variation 357469 (VCV000357469.20), dbSNP rs2397084, ClinGen allele CA3854367.
Genomic context (GRCh38, chr6:52,237,046, plus strand): 5'-ACCTTCTCCAACTGGAAAGAAACAGAGCAGCCTTGGTGCTTCCTCCGGACGACCAGGGTC[T>C]CTTGCTGGATGGGAACGGAATTCATGGAGATGTCTTCCTTTCCTTGAGCATTGATGCAGC-3'
Protein context (NP_443104.1, residues 116-136): ISMNSVPIQQ[Glu126Gly]TLVVRRKHQG